The following is an entry in ClinVar:

ClinVar aggregate classification (germline): Uncertain significance. Review status: criteria provided, multiple submitters, no conflicts (2 of 4 stars). 2 submissions from 2 submitters: Uncertain significance (2). Last evaluated 2025-09-26.

Conditions:
Inborn genetic diseases. Identifiers: MedGen C0950123, MeSH D030342.

Allele frequency attached by ClinVar (database versions not stated): gnomAD exomes below 0.00001; TOPMed 0.00002.
gnomAD v4.1: 21 of 1,610,440 alleles (0.0013%); highest among the groups gnomAD compares: Non-Finnish European, 0.0015%; no homozygotes.

Submissions (2):

Ambry Genetics
Classification: Uncertain significance for Inborn genetic diseases. Last evaluated: 2025-09-26. Review status: criteria provided, single submitter. Criteria: Ambry Variant Classification Scheme 2023. Collection method: clinical testing. Allele origin: germline.

Labcorp Genetics (formerly Invitae), Labcorp
Classification: Uncertain significance. Last evaluated: 2022-02-10. Review status: criteria provided, single submitter. Criteria: Invitae Variant Classification Sherloc (09022015). Collection method: clinical testing. Allele origin: germline.
Comment: This sequence change replaces arginine, which is basic and polar, with cysteine, which is neutral and slightly polar, at codon 180 of the CABP4 protein (p.Arg180Cys). The frequency data for this variant in the population databases is considered unreliable, as metrics indicate poor data quality at this position in the gnomAD database. This variant has not been reported in the literature in individuals affected with CABP4-related conditions. Algorithms developed to predict the effect of missense changes on protein structure and function are either unavailable or do not agree on the potential impact of this missense change (SIFT: "Deleterious"; PolyPhen-2: "Benign"; Align-GVGD: "Class C15"). In summary, the available evidence is currently insufficient to determine the role of this variant in disease. Therefore, it has been classified as a Variant of Uncertain Significance.

NM_145200.5(CABP4):c.538C>T (p.Arg180Cys)

Gene: CABP4 (calcium binding protein 4; plus strand). Cytogenetic location: 11q13.2.
Variant type: single nucleotide variant.
Coding change: c.538C>T on transcript NM_145200.5 (MANE Select); coding-DNA position 538, C replaced by T.
Protein change: p.Arg180Cys; replaces arginine 180 with cysteine.
Molecular consequence: missense variant.
Genome position (GRCh38, 1-based): chr11:67,456,439, C>T. VCF-style: chr11-67456439-C-T. GRCh37 (hg19) VCF-style: chr11-67223910-C-T.
Other names: c.223C>T, p.Arg75Cys (NM_001300895.3, NM_001300896.3, NM_001379183.1); c.538C>T (NM_145200.3); short protein forms R180C, R75C.
Identifiers: ClinVar variation 1391108 (VCV001391108.9), dbSNP rs1361811313, ClinGen allele CA381530879.